The following is an entry in ClinVar:

ClinVar aggregate classification (germline): Pathogenic (1 of 4 stars; one submission).

Conditions:
Birt-Hogg-Dube syndrome. Also called: Birt Hogg Dubé syndrome. Identifiers: Orphanet 122, MedGen C0346010, MONDO:0800444.

Submission:

Labcorp Genetics (formerly Invitae), Labcorp
Classification: Pathogenic for Birt-Hogg-Dube syndrome. Last evaluated: 2021-02-13. Review status: criteria provided, single submitter. Criteria: Invitae Variant Classification Sherloc (09022015). Collection method: clinical testing. Allele origin: germline.
Comment: For these reasons, this variant has been classified as Pathogenic. This variant has not been reported in the literature in individuals with FLCN-related conditions. This variant is a gross deletion of the genomic region encompassing exon(s) 2-9 of the FLCN gene, which includes the initiator codon. The 5' end of this event is unknown as it extends beyond the assayed region for this gene and therefore may encompass additional genes. The 3' boundary is likely confined to intron 9 of the FLCN gene. It is expected to result in an absent or disrupted protein product. Loss-of-function variants in FLCN are known to be pathogenic (PMID: 15852235).

Literature cited by the submitters: PubMed 15852235.

NC_000017.10:g.(?_17122323)_(17136215_?)del

Gene: FLCN (folliculin; minus strand). Cytogenetic location: 17p11.2.
Variant type: Deletion.
Identifiers: ClinVar variation 1459547 (VCV001459547.7).